The following is an entry in ClinVar:

NM_138967.4(SCAMP5):c.543dup (p.Ser182fs)

Gene: SCAMP5 (secretory carrier membrane protein 5; plus strand). Cytogenetic location: 15q24.2.
Variant type: Duplication.
Coding change: c.543dup on transcript NM_138967.4 (MANE Select); coding-DNA position 543, one base duplicated (G; older notation c.543dupG).
Protein change: p.Ser182fs; shifts the reading frame from serine 182.
Molecular consequence: frameshift variant. On other transcripts: non-coding transcript variant (1).
Genome position (GRCh38, 1-based): chr15:75,018,818, G duplicated; the last of 6 consecutive G bases (chr15:75,018,813-75,018,818); duplicating any one gives the same sequence. VCF-style (leftmost placement, unchanged base first): chr15-75018812-T-TG. GRCh37 (hg19) VCF-style: chr15-75311153-T-TG.
Other names: c.543dup, p.Ser182fs (NM_001178111.2, NM_001178112.2); short protein forms S182fs.
Identifiers: ClinVar variation 5009119 (VCV005009119.1).

ClinVar aggregate classification (germline): Uncertain significance (1 of 4 stars; one submission).

Submission:

GeneDx
Classification: Uncertain significance. Last evaluated: 2026-03-12. Review status: criteria provided, single submitter. Criteria: GeneDx Variant Classification Process June 2021. Collection method: clinical testing. Allele origin: germline.
Comment: Not observed at significant frequency in large population cohorts (gnomAD); Has not been previously published as pathogenic or benign to our knowledge; Frameshift variant predicted to result in abnormal protein length as the last 54 amino acid(s) are replaced with 52 different amino acid(s) with an unclear effect on protein function